The following is an entry in ClinVar:

NM_001723.7(DST):c.7750A>G (p.Ile2584Val)

Gene: DST (dystonin; minus strand). Cytogenetic location: 6p12.1.
Variant type: single nucleotide variant.
Coding change: c.7750A>G on transcript NM_001723.7 (MANE Plus Clinical); coding-DNA position 7750, A replaced by G.
Protein change: p.Ile2584Val; replaces isoleucine 2584 with valine.
Molecular consequence: missense variant. On other transcripts: intron variant (10).
Genome position (GRCh38, 1-based): chr6:56,615,717, T>C on the plus strand (A>G on the coding strand, the complement: DST is on the minus strand). VCF-style: chr6-56615717-T-C. GRCh37 (hg19) VCF-style: chr6-56480515-T-C.
Other names: c.4831-1233A>G (NM_001144769.5); c.4930-1233A>G (NM_001374722.1, NM_001374736.1); c.4957-1233A>G (NM_001374734.1); c.4417-1233A>G (NM_001144770.2); c.4297-1233A>G (NM_001374730.1, NM_001386100.1, NM_183380.4 and 1 more transcripts); c.3319-1233A>G (NM_015548.5); short protein forms I2584V.
Identifiers: ClinVar variation 576814 (VCV000576814.10), dbSNP rs767923847, ClinGen allele CA139205012.

ClinVar aggregate classification (germline): Uncertain significance (1 of 4 stars; one submission).

Conditions:
Hereditary sensory and autonomic neuropathy type 6. Also called: Neuropathy, hereditary sensory and autonomic, type VI; HSAN VI. Identifiers: Orphanet 314381, MedGen C3539003, MONDO:0013839, OMIM 614653.
Epidermolysis bullosa simplex 3, localized or generalized intermediate, with BP230 deficiency (EBS3). Also called: Epidermolysis bullosa simplex, autosomal recessive 2; Epidermolysis bullosa simplex due to BP230 deficiency. Identifiers: Orphanet 412181, MedGen C3809470, MONDO:0014180, OMIM 615425.

Allele frequency attached by ClinVar (database versions not stated): gnomAD 0.00007 and 0.00008; TOPMed 0.00008.
gnomAD v4.1: 31 of 1,614,050 alleles (0.0019%); highest among the groups gnomAD compares: African/African-American, 0.039%; no homozygotes.

Submission:

Labcorp Genetics (formerly Invitae), Labcorp
Classification: Uncertain significance for Epidermolysis bullosa simplex 3, localized or generalized intermediate, with BP230 deficiency; Hereditary sensory and autonomic neuropathy type 6. Last evaluated: 2023-08-04. Review status: criteria provided, single submitter. Criteria: Invitae Variant Classification Sherloc (09022015). Collection method: clinical testing. Allele origin: germline.
Comment: This sequence change replaces isoleucine, which is neutral and non-polar, with valine, which is neutral and non-polar, at codon 2584 of the DST protein (p.Ile2584Val). This variant is present in population databases (no rsID available, gnomAD 0.02%). This variant has not been reported in the literature in individuals affected with DST-related conditions. ClinVar contains an entry for this variant (Variation ID: 576814). An algorithm developed to predict the effect of missense changes on protein structure and function (PolyPhen-2) suggests that this variant¬¨‚Ä†is likely to be tolerated. In summary, the available evidence is currently insufficient to determine the role of this variant in disease. Therefore, it has been classified as a Variant of Uncertain Significance.